The following is an entry in ClinVar:

ClinVar aggregate classification (germline): Uncertain significance (1 of 4 stars; one submission).

Submission:

Labcorp Genetics (formerly Invitae), Labcorp
Classification: Uncertain significance. Last evaluated: 2022-01-06. Review status: criteria provided, single submitter. Criteria: Invitae Variant Classification Sherloc (09022015). Collection method: clinical testing. Allele origin: germline.
Comment: This variant has not been reported in the literature in individuals affected with KMT2A-related conditions. This variant is not present in population databases (gnomAD no frequency). This variant, c.186_194dup, results in the insertion of 3 amino acid(s) of the KMT2A protein (p.Ala65_Ala67dup), but otherwise preserves the integrity of the reading frame. In summary, the available evidence is currently insufficient to determine the role of this variant in disease. Therefore, it has been classified as a Variant of Uncertain Significance.

NM_001197104.2(KMT2A):c.186_194dup (p.Ala65_Ala67dup)

Gene: KMT2A (lysine methyltransferase 2A; plus strand). Cytogenetic location: 11q23.3.
Variant type: Duplication.
Coding change: c.186_194dup on transcript NM_001197104.2 (MANE Select); coding-DNA positions 186 to 194, 9 bases duplicated (CGCGGCGGC; older notation c.186_194dupCGCGGCGGC).
Protein change: p.Ala65_Ala67dup.
Molecular consequence: inframe insertion.
Genome position (GRCh38, 1-based): chr11:118,436,698-118,436,706, CGCGGCGGC duplicated; duplicating any 9 consecutive bases within chr11:118,436,692-118,436,706 gives the same sequence; the c. name uses the placement nearest the transcript's 3' end. VCF-style (leftmost placement, unchanged base first): chr11-118436691-T-TGGCGGCCGC. GRCh37 (hg19) VCF-style: chr11-118307406-T-TGGCGGCCGC.
Other names: c.186_194dup, p.Ala65_Ala67dup (NM_005933.4).
Identifiers: ClinVar variation 1418137 (VCV001418137.6), dbSNP rs2134153475, ClinGen allele CA2573146935.